The following is an entry in ClinVar:

ClinVar aggregate classification (germline): Uncertain significance (1 of 4 stars; one submission).

Submission:

GeneDx
Classification: Uncertain significance. Last evaluated: 2020-09-01. Review status: criteria provided, single submitter. Criteria: GeneDx Variant Classification Process June 2021. Collection method: clinical testing. Allele origin: germline. Affected: yes.
Comment: Not observed in large population cohorts (Lek et al., 2016); In silico analysis supports that this missense variant has a deleterious effect on protein structure/function; This variant is associated with the following publications: (PMID: 27509835, 26371943)

NM_000088.4(COL1A1):c.4274C>T (p.Thr1425Ile)

Gene: COL1A1 (collagen type I alpha 1 chain; minus strand). Cytogenetic location: 17q21.33.
Variant type: single nucleotide variant.
Coding change: c.4274C>T on transcript NM_000088.4 (MANE Select); coding-DNA position 4274, C replaced by T.
Protein change: p.Thr1425Ile; replaces threonine 1425 with isoleucine.
Molecular consequence: missense variant.
Genome position (GRCh38, 1-based): chr17:50,185,623, G>A on the plus strand (C>T on the coding strand, the complement: COL1A1 is on the minus strand). VCF-style: chr17-50185623-G-A. GRCh37 (hg19) VCF-style: chr17-48262984-G-A.
Other names: short protein forms T1425I.
Identifiers: ClinVar variation 1303486 (VCV001303486.2), dbSNP rs2144530252, ClinGen allele CA400190704.
Genomic context (GRCh38, chr17:50,185,623, plus strand): 5'-AAGGGGGCCACATCGATGATGGGCAGGCGGGAGGTCTTGGTGGTTTTGTATTCAATCACT[G>A]TCTTGCCCCAGGCTCCGGTGTGACTCTGGGGTGGGGCGGAGACAACGGGAGGGGGCATTA-3'
Protein context (NP_000079.2, residues 1415-1435): CTSHTGAWGK[Thr1425Ile]VIEYKTTKTS